The following is an entry in ClinVar:

ClinVar aggregate classification (germline): Uncertain significance. Review status: criteria provided, multiple submitters, no conflicts (2 of 4 stars). 2 submissions from 2 submitters: Uncertain significance (2). Last evaluated 2024-05-14.

Conditions:
Epileptic encephalopathy. Identifiers: MedGen C0543888, HP:0200134.

Allele frequency attached by ClinVar (database versions not stated): TOPMed 0.00002; gnomAD 0.00002.
gnomAD v4.1: 15 of 1,612,894 alleles (0.00093%); highest among the groups gnomAD compares: Admixed American, 0.0067%; no homozygotes.

Submissions (2):

Ambry Genetics
Classification: Uncertain significance. Last evaluated: 2024-05-14. Review status: criteria provided, single submitter. Criteria: Ambry Variant Classification Scheme 2023. Collection method: clinical testing. Allele origin: germline.

Labcorp Genetics (formerly Invitae), Labcorp
Classification: Uncertain significance for Epileptic encephalopathy. Last evaluated: 2020-01-24. Review status: criteria provided, single submitter. Criteria: Invitae Variant Classification Sherloc (09022015). Collection method: clinical testing. Allele origin: germline.
Comment: This sequence change replaces arginine with cysteine at codon 4537 of the RYR3 protein (p.Arg4537Cys). The arginine residue is highly conserved and there is a large physicochemical difference between arginine and cysteine. This variant is present in population databases (rs768358263, ExAC 0.03%). This variant has not been reported in the literature in individuals with an RYR3-related disease. Algorithms developed to predict the effect of missense changes on protein structure and function do not agree on the potential impact of this missense change (SIFT: "Deleterious"; PolyPhen-2: "Probably Damaging"; Align-GVGD: "Class C0"). In summary, this variant has uncertain impact on RYR3 function. The available evidence is currently insufficient to determine its role in disease. Therefore, it has been classified as a Variant of Uncertain Significance.

NM_001036.6(RYR3):c.13609C>T (p.Arg4537Cys)

Gene: RYR3 (ryanodine receptor 3; plus strand). Cytogenetic location: 15q14.
Variant type: single nucleotide variant.
Coding change: c.13609C>T on transcript NM_001036.6 (MANE Select); coding-DNA position 13609, C replaced by T.
Protein change: p.Arg4537Cys; replaces arginine 4537 with cysteine.
Molecular consequence: missense variant.
Genome position (GRCh38, 1-based): chr15:33,848,402, C>T. VCF-style: chr15-33848402-C-T. GRCh37 (hg19) VCF-style: chr15-34140603-C-T.
Other names: c.13594C>T, p.Arg4532Cys (NM_001243996.4); c.13609C>T (NM_001036.3); short protein forms R4537C, R4532C.
Identifiers: ClinVar variation 461866 (VCV000461866.9), dbSNP rs768358263, ClinGen allele CA7461676.